The following is an entry in ClinVar:

NM_001754.5(RUNX1):c.1199C>T (p.Ser400Leu)

Gene: RUNX1 (RUNX family transcription factor 1; minus strand). Cytogenetic location: 21q22.12.
Variant type: single nucleotide variant.
Coding change: c.1199C>T on transcript NM_001754.5 (MANE Select); coding-DNA position 1199, C replaced by T.
Protein change: p.Ser400Leu; replaces serine 400 with leucine.
Molecular consequence: missense variant.
Genome position (GRCh38, 1-based): chr21:34,792,379, G>A on the plus strand (C>T on the coding strand, the complement: RUNX1 is on the minus strand). VCF-style: chr21-34792379-G-A. GRCh37 (hg19) VCF-style: chr21-36164676-G-A.
Other names: NM_001754.5(RUNX1):c.1199C>T; p.Ser400Leu; c.1199C>T (NM_001754.4); c.1118C>T, p.Ser373Leu (NM_001001890.3); short protein forms S373L, S400L.
Identifiers: ClinVar variation 1002574 (VCV001002574.11), dbSNP rs2056454601, ClinGen allele CA410147797.

ClinVar aggregate classification (germline): Uncertain significance. Review status: reviewed by expert panel (3 of 4 stars). 3 submissions from 3 submitters: Uncertain significance (1). 2 of the submissions do not count toward it. Last evaluated 2024-09-12.

Conditions:
Inborn genetic diseases. Identifiers: MedGen C0950123, MeSH D030342.
Hereditary thrombocytopenia and hematological cancer predisposition syndrome associated with RUNX1. Also called: Familial thrombocytopenia with propensity to acute myelogenous leukemia; PLATELET DISORDER, ASPIRIN-LIKE; RUNX1 Familial Platelet Disorder with Associated Myeloid Malignancies; Familial Platelet Disorder with Propensity to Acute Myelogenous Leukemia. Identifiers: Orphanet 71290, MedGen C1832388, MeSH C563324, MONDO:0100083, OMIM 601399.
Hereditary thrombocytopenia and hematologic cancer predisposition syndrome. Identifiers: Orphanet 71290, MedGen CN281654, MONDO:0011071.

Submissions (3):

ClinGen Myeloid Malignancy Variant Curation Expert Panel
Classification: Uncertain significance for Hereditary thrombocytopenia and hematologic cancer predisposition syndrome. Last evaluated: 2024-09-12. Review status: reviewed by expert panel. Criteria: ClinGen MyeloMalig ACMG Specifications v2. Collection method: curation. Allele origin: germline. Inheritance: Autosomal dominant inheritance.
Comment: NM_001754.5(RUNX1):c.1199C>T (p.Ser400Leu) is a missense variant which is absent from gnomAD v2, v3, and v4 (PM2_Supporting) and has not been reported as a germline variant in the literature. The computational predictor REVEL gives a score of 0.36, below the threshold of 0.50, and the splice site predictor SpliceAI indicates that the variant has no impact on splicing, providing evidence that does not predict a damaging effect on RUNX1 function (BP4). In summary, this variant meets the criteria to be classified as a variant of uncertain significance (VUS) for autosomal dominant hereditary thrombocytopenia and hematologic cancer predisposition syndrome. ACMG/AMP criteria applied, as specified by the ClinGen Myeloid Malignancy VCEP: PM2_Supporting and BP4.

Ambry Genetics
Classification: Uncertain significance for Inborn genetic diseases. Last evaluated: 2025-06-11. Review status: criteria provided, single submitter. Criteria: Ambry Variant Classification Scheme 2023. Collection method: clinical testing. Allele origin: germline. Not counted in ClinVar's aggregate classification.
Comment: The p.S400L variant (also known as c.1199C>T), located in coding exon 8 of the RUNX1 gene, results from a C to T substitution at nucleotide position 1199. The serine at codon 400 is replaced by leucine, an amino acid with dissimilar properties. This amino acid position is well conserved in available vertebrate species. In addition, the in silico prediction for this alteration is inconclusive. Based on the available evidence, the clinical significance of this variant remains unclear.

Labcorp Genetics (formerly Invitae), Labcorp
Classification: Uncertain significance for Hereditary thrombocytopenia and hematological cancer predisposition syndrome associated with RUNX1. Last evaluated: 2020-02-12. Review status: criteria provided, single submitter. Criteria: Invitae Variant Classification Sherloc (09022015). Collection method: clinical testing. Allele origin: germline. Not counted in ClinVar's aggregate classification.
Comment: This sequence change replaces serine with leucine at codon 400 of the RUNX1 protein (p.Ser400Leu). The serine residue is moderately conserved and there is a large physicochemical difference between serine and leucine. In summary, the available evidence is currently insufficient to determine the role of this variant in disease. Therefore, it has been classified as a Variant of Uncertain Significance. Algorithms developed to predict the effect of missense changes on protein structure and function are either unavailable or do not agree on the potential impact of this missense change (SIFT: "Tolerated"; PolyPhen-2: "Possibly Damaging"; Align-GVGD: "Class C0"). This variant has not been reported in the literature in individuals with RUNX1-related conditions. This variant is not present in population databases (ExAC no frequency).